The following is an entry in ClinVar:

ClinVar aggregate classification (germline): Uncertain significance (1 of 4 stars; one submission).

Submission:

GeneDx
Classification: Uncertain significance. Last evaluated: 2023-01-31. Review status: criteria provided, single submitter. Criteria: GeneDx Variant Classification Process June 2021. Collection method: clinical testing. Allele origin: germline. Affected: yes.
Comment: Not observed at significant frequency in large population cohorts (gnomAD); In silico analysis supports that this missense variant has a deleterious effect on protein structure/function; Has not been previously published as pathogenic or benign to our knowledge

NM_001363711.2(DUOX2):c.1111A>C (p.Asn371His)

Gene: DUOX2 (dual oxidase 2; minus strand). Cytogenetic location: 15q21.1.
Variant type: single nucleotide variant.
Coding change: c.1111A>C on transcript NM_001363711.2 (MANE Select); coding-DNA position 1111, A replaced by C.
Protein change: p.Asn371His; replaces asparagine 371 with histidine.
Molecular consequence: missense variant.
Genome position (GRCh38, 1-based): chr15:45,109,910, T>G on the plus strand (A>C on the coding strand, the complement: DUOX2 is on the minus strand). VCF-style: chr15-45109910-T-G. GRCh37 (hg19) VCF-style: chr15-45402108-T-G.
Other names: c.1111A>C, p.Asn371His (NM_014080.5); short protein forms N371H.
Identifiers: ClinVar variation 2574282 (VCV002574282.1), dbSNP rs2504778630, ClinGen allele CA392277356.
Genomic context (GRCh38, chr15:45,109,910, plus strand): 5'-ACCTTGACCCATCTTCCCCTGACCCTGACCCCAGTCTGACCTCCCGAATCCAGTAGTTGT[T>G]GCAGACCCTGAGAGCTTGGGAGCTTTGAAAACCCTTGTTCAGGACCTTCCGGAAATGACA-3'
Protein context (NP_001350640.1, residues 361-381): FQSSQALRVC[Asn371His]NYWIRENPNL